The following is an entry in ClinVar:

NM_001875.5(CPS1):c.2725G>T (p.Glu909Ter)

Gene: CPS1 (carbamoyl-phosphate synthase 1; plus strand). Cytogenetic location: 2q34.
Variant type: single nucleotide variant.
Coding change: c.2725G>T on transcript NM_001875.5 (MANE Select); coding-DNA position 2725, G replaced by T.
Protein change: p.Glu909Ter; replaces glutamic acid 909 with a stop codon.
Molecular consequence: nonsense. On other transcripts: non-coding transcript variant (2).
Genome position (GRCh38, 1-based): chr2:210,637,739, G>T. VCF-style: chr2-210637739-G-T. GRCh37 (hg19) VCF-style: chr2-211502463-G-T.
Other names: c.2725G>T, p.Glu909Ter (NM_001122633.3, NM_001369257.1); c.2758G>T, p.Glu920Ter (NM_001369256.1); short protein forms E909*, E920*.
Identifiers: ClinVar variation 1726656 (VCV001726656.2), dbSNP rs2469258613, ClinGen allele CA350430912.

ClinVar aggregate classification (germline): Likely pathogenic (1 of 4 stars; one submission).

Conditions:
Congenital hyperammonemia, type I. Also called: Carbamoyl phosphate synthetase I deficiency disease; CPS I DEFICIENCY; Carbamoyl phosphate synthetase 1 deficiency; Hyperammonemia due to carbamoyl phosphate synthetase 1 deficiency; CPS 1 deficiency; Carbamyl phosphate synthetase (CPS) deficiency. Identifiers: Orphanet 147, MedGen C4082171, MONDO:0009376, OMIM 237300.

Submission:

Myriad Genetics, Inc.
Classification: Likely pathogenic for Congenital hyperammonemia, type I. Last evaluated: 2021-12-30. Review status: criteria provided, single submitter. Criteria: Myriad Women's Health Autosomal Recessive and X-Linked Classification Criteria (2021). Collection method: clinical testing. Allele origin: unknown.
Comment: NM_001875.4(CPS1):c.2725G>T(E909*) is expected to be pathogenic in the context of carbamoylphosphate synthetase I deficiency. This variant is predicted to lead to an abnormal or absent protein product due to the creation of a premature termination codon in CPS1, a gene where loss-of-function variants are known to be pathogenic. Please note: this variant was assessed in the context of healthy population screening.